The following is an entry in ClinVar:

NM_199242.3(UNC13D):c.1826_1828dup (p.Gln609_Arg610insGln)

Gene: UNC13D (unc-13 homolog D; minus strand). Cytogenetic location: 17q25.1.
Variant type: Duplication.
Coding change: c.1826_1828dup on transcript NM_199242.3 (MANE Select); coding-DNA positions 1826 to 1828, 3 bases duplicated (AGC; older notation c.1826_1828dupAGC).
Protein change: p.Gln609_Arg610insGln.
Molecular consequence: inframe insertion. On other transcripts: inframe indel (1).
Genome position (GRCh38, 1-based): chr17:75,835,429-75,835,431, GCT duplicated on the plus strand (AGC on the coding strand, the reverse complement: UNC13D is on the minus strand); duplicating any 3 consecutive bases within chr17:75,835,429-75,835,433 gives the same sequence; the c. name uses the placement nearest the transcript's 3' end. VCF-style (leftmost placement, unchanged base first): chr17-75835428-C-CGCT. GRCh37 (hg19) VCF-style: chr17-73831509-C-CGCT.
Other names: c.1826_1828dup (NM_199242.2).
Identifiers: ClinVar variation 5036933 (VCV005036933.1).

ClinVar aggregate classification (germline): Uncertain significance (1 of 4 stars; one submission).

Submission:

GeneDx
Classification: Uncertain significance. Last evaluated: 2026-04-21. Review status: criteria provided, single submitter. Criteria: GeneDx Variant Classification Process June 2021. Collection method: clinical testing. Allele origin: germline.
Comment: Not observed at significant frequency in large population cohorts (gnomAD); In-frame duplication of 1 amino acid in a non-repeat region; Has not been previously published as pathogenic or benign to our knowledge